The following is an entry in ClinVar:

ClinVar aggregate classification (germline): Uncertain significance. Review status: criteria provided, single submitter (1 of 4 stars). 2 submissions from 2 submitters: Uncertain significance (1). 1 of the submissions does not count toward it. Last evaluated 2022-09-27.

Conditions:
Cohen syndrome (COH1). Also called: PEPPER SYNDROME; Cutis verticis gyrata, retinitis pigmentosa, and sensorineural deafness. Identifiers: Orphanet 193, MedGen C0265223, MONDO:0008999, OMIM 216550.

Submissions (2):

Labcorp Genetics (formerly Invitae), Labcorp
Classification: Uncertain significance for Cohen syndrome. Last evaluated: 2022-09-27. Review status: criteria provided, single submitter. Criteria: Invitae Variant Classification Sherloc (09022015). Collection method: clinical testing. Allele origin: germline.
Comment: This sequence change replaces valine, which is neutral and non-polar, with isoleucine, which is neutral and non-polar, at codon 2043 of the VPS13B protein (p.Val2043Ile). This variant is not present in population databases (gnomAD no frequency). This variant has not been reported in the literature in individuals affected with VPS13B-related conditions. ClinVar contains an entry for this variant (Variation ID: 1061350). Advanced modeling of protein sequence and biophysical properties (such as structural, functional, and spatial information, amino acid conservation, physicochemical variation, residue mobility, and thermodynamic stability) performed at Invitae indicates that this missense variant is not expected to disrupt VPS13B protein function. In summary, the available evidence is currently insufficient to determine the role of this variant in disease. Therefore, it has been classified as a Variant of Uncertain Significance.

Natera, Inc.
Classification: Uncertain significance for Cohen syndrome. Last evaluated: 2021-06-11. Review status: no assertion criteria provided. Collection method: clinical testing. Allele origin: germline. Not counted in ClinVar's aggregate classification.

NM_152564.5(VPS13B):c.6052G>A (p.Val2018Ile)

Gene: VPS13B (vacuolar protein sorting 13 homolog B; plus strand). Cytogenetic location: 8q22.2.
Variant type: single nucleotide variant.
Coding change: c.6052G>A on transcript NM_152564.5 (MANE Select); coding-DNA position 6052, G replaced by A.
Protein change: p.Val2018Ile; replaces valine 2018 with isoleucine.
Molecular consequence: missense variant.
Genome position (GRCh38, 1-based): chr8:99,699,530, G>A. VCF-style: chr8-99699530-G-A. GRCh37 (hg19) VCF-style: chr8-100711758-G-A.
Other names: c.6127G>A, p.Val2043Ile (NM_017890.5); short protein forms V2018I, V2043I.
Identifiers: ClinVar variation 1061350 (VCV001061350.9), dbSNP rs2130179163, ClinGen allele CA371873739.